The following is an entry in ClinVar:

NM_001035.3(RYR2):c.2040C>A (p.Asp680Glu)

Gene: RYR2 (ryanodine receptor 2; plus strand). Cytogenetic location: 1q43.
Variant type: single nucleotide variant.
Coding change: c.2040C>A on transcript NM_001035.3 (MANE Select); coding-DNA position 2040, C replaced by A.
Protein change: p.Asp680Glu; replaces aspartic acid 680 with glutamic acid.
Molecular consequence: missense variant.
Genome position (GRCh38, 1-based): chr1:237,496,589, C>A. VCF-style: chr1-237496589-C-A. GRCh37 (hg19) VCF-style: chr1-237659889-C-A.
Other names: short protein forms D680E.
Identifiers: ClinVar variation 3385682 (VCV003385682.1).

ClinVar aggregate classification (germline): Uncertain significance (1 of 4 stars; one submission).

Conditions:
Catecholaminergic polymorphic ventricular tachycardia (CVPT). Also called: Catecholamine-induced polymorphic ventricular tachycardia. Identifiers: Orphanet 3286, MedGen C5574922, MONDO:0017990.

Submission:

All of Us Research Program, National Institutes of Health
Classification: Uncertain significance for Catecholaminergic polymorphic ventricular tachycardia. Last evaluated: 2024-04-16. Review status: criteria provided, single submitter. Criteria: ACMG Guidelines, 2015. Collection method: clinical testing. Allele origin: germline. Inheritance: Autosomal dominant inheritance. Observed: 1 variant allele, 1 heterozygote.
Comment: This missense variant replaces aspartic acid with glutamic acid at codon 680 of the RYR2 protein. Computational prediction suggests that this variant may not impact protein structure and function (internally defined REVEL score threshold <= 0.5, PMID: 27666373). To our knowledge, functional studies have not been reported for this variant. This variant has not been reported in individuals affected with RYR2-related disorders in the literature. This variant has not been identified in the general population by the Genome Aggregation Database (gnomAD). The available evidence is insufficient to determine the role of this variant in disease conclusively. Therefore, this variant is classified as a Variant of Uncertain Significance.

This study involves interpretation of variants in research participants for the purpose of population health screening. Participant phenotype was not available at the time of variant classification. Additional details can be found in publication PMID: 35346344, PMCID: PMC8962531